The following is an entry in ClinVar:

NM_000321.3(RB1):c.2648A>G (p.Asp883Gly)

Gene: RB1 (RB transcriptional corepressor 1; plus strand). Cytogenetic location: 13q14.2.
Variant type: single nucleotide variant.
Coding change: c.2648A>G on transcript NM_000321.3 (MANE Select); coding-DNA position 2648, A replaced by G.
Protein change: p.Asp883Gly; replaces aspartic acid 883 with glycine.
Molecular consequence: missense variant.
Genome position (GRCh38, 1-based): chr13:48,476,828, A>G. VCF-style: chr13-48476828-A-G. GRCh37 (hg19) VCF-style: chr13-49050964-A-G.
Other names: c.2648A>G, p.Asp883Gly (NM_001407165.1); c.98A>G, p.Asp33Gly (NM_001407168.1); short protein forms D33G, D883G.
Identifiers: ClinVar variation 1794270 (VCV001794270.2), dbSNP rs2542384563, ClinGen allele CA388157605.

ClinVar aggregate classification (germline): Uncertain significance (1 of 4 stars; one submission).

Conditions:
Hereditary cancer-predisposing syndrome. Also called: Tumor predisposition; Hereditary Cancer Syndrome; Neoplastic Syndromes, Hereditary; Hereditary neoplastic syndrome. Identifiers: Orphanet 140162, MedGen C0027672, MeSH D009386, MONDO:0015356.

Submission:

Ambry Genetics
Classification: Uncertain significance for Hereditary cancer-predisposing syndrome. Last evaluated: 2022-04-28. Review status: criteria provided, single submitter. Criteria: Ambry Variant Classification Scheme 2023. Collection method: clinical testing. Allele origin: germline.
Comment: The p.D883G variant (also known as c.2648A>G), located in coding exon 25 of the RB1 gene, results from an A to G substitution at nucleotide position 2648. The aspartic acid at codon 883 is replaced by glycine, an amino acid with similar properties. This amino acid position is highly conserved in available vertebrate species. In addition, this alteration is predicted to be deleterious by in silico analysis. Since supporting evidence is limited at this time, the clinical significance of this alteration remains unclear.